The following is an entry in ClinVar:

NM_032638.5(GATA2):c.110C>T (p.Ala37Val)

Gene: GATA2 (GATA binding protein 2; minus strand). Cytogenetic location: 3q21.3.
Variant type: single nucleotide variant.
Coding change: c.110C>T on transcript NM_032638.5 (MANE Select); coding-DNA position 110, C replaced by T.
Protein change: p.Ala37Val; replaces alanine 37 with valine.
Molecular consequence: missense variant.
Genome position (GRCh38, 1-based): chr3:128,486,922, G>A on the plus strand (C>T on the coding strand, the complement: GATA2 is on the minus strand). VCF-style: chr3-128486922-G-A. GRCh37 (hg19) VCF-style: chr3-128205765-G-A.
Other names: c.110C>T, p.Ala37Val (NM_001145661.2, NM_001145662.1); short protein forms A37V.
Identifiers: ClinVar variation 3853033 (VCV003853033.1).

ClinVar aggregate classification (germline): Uncertain significance (1 of 4 stars; one submission).

Conditions:
Inborn genetic diseases. Identifiers: MedGen C0950123, MeSH D030342.

Submission:

Ambry Genetics
Classification: Uncertain significance for Inborn genetic diseases. Last evaluated: 2025-03-07. Review status: criteria provided, single submitter. Criteria: Ambry Variant Classification Scheme 2023. Collection method: clinical testing. Allele origin: germline.
Comment: The p.A37V variant (also known as c.110C>T), located in coding exon 1 of the GATA2 gene, results from a C to T substitution at nucleotide position 110. The alanine at codon 37 is replaced by valine, an amino acid with similar properties. This amino acid position is well conserved in available vertebrate species. In addition, the in silico prediction for this alteration is inconclusive. Based on the available evidence, the clinical significance of this variant remains unclear.